The following is an entry in ClinVar:

NM_001791.4(CDC42):c.53G>A (p.Cys18Tyr)

Gene: CDC42 (cell division cycle 42; plus strand). Cytogenetic location: 1p36.12.
Variant type: single nucleotide variant.
Coding change: c.53G>A on transcript NM_001791.4 (MANE Select); coding-DNA position 53, G replaced by A.
Protein change: p.Cys18Tyr; replaces cysteine 18 with tyrosine.
Molecular consequence: missense variant.
Genome position (GRCh38, 1-based): chr1:22,078,531, G>A. VCF-style: chr1-22078531-G-A. GRCh37 (hg19) VCF-style: chr1-22405024-G-A.
Other names: c.53G>A, p.Cys18Tyr (NM_001039802.2, NM_044472.3); short protein forms C18Y.
Identifiers: ClinVar variation 4281713 (VCV004281713.1).

ClinVar aggregate classification (germline): Uncertain significance (1 of 4 stars; one submission).

Submission:

GeneDx
Classification: Uncertain significance. Last evaluated: 2025-04-07. Review status: criteria provided, single submitter. Criteria: GeneDx Variant Classification Process June 2021. Collection method: clinical testing. Allele origin: germline. Affected: yes.
Comment: Not observed at significant frequency in large population cohorts (gnomAD); In silico analysis supports that this missense variant has a deleterious effect on protein structure/function; Has not been previously published as pathogenic or benign to our knowledge